The following is an entry in ClinVar:

ClinVar aggregate classification (germline): Uncertain significance. Review status: criteria provided, multiple submitters, no conflicts (2 of 4 stars). 2 submissions from 2 submitters: Uncertain significance (2). Last evaluated 2024-09-08.

Conditions:
Inborn genetic diseases. Identifiers: MedGen C0950123, MeSH D030342.

Allele frequency attached by ClinVar (database versions not stated): ExAC 0.00004; gnomAD 0.00005; ESP Exome Variant Server 0.00008.
gnomAD v4.1: 123 of 1,612,734 alleles (0.0076%); highest among the groups gnomAD compares: Middle Eastern, 0.033%; no homozygotes.

Submissions (2):

Labcorp Genetics (formerly Invitae), Labcorp
Classification: Uncertain significance. Last evaluated: 2024-09-08. Review status: criteria provided, single submitter. Criteria: Invitae Variant Classification Sherloc (09022015). Collection method: clinical testing. Allele origin: germline.
Comment: This sequence change replaces arginine, which is basic and polar, with glutamine, which is neutral and polar, at codon 291 of the PLVAP protein (p.Arg291Gln). This variant is present in population databases (rs148762093, gnomAD 0.01%). This variant has not been reported in the literature in individuals affected with PLVAP-related conditions. ClinVar contains an entry for this variant (Variation ID: 1972422). Invitae Evidence Modeling of protein sequence and biophysical properties (such as structural, functional, and spatial information, amino acid conservation, physicochemical variation, residue mobility, and thermodynamic stability) indicates that this missense variant is expected to disrupt PLVAP protein function with a positive predictive value of 80%. In summary, the available evidence is currently insufficient to determine the role of this variant in disease. Therefore, it has been classified as a Variant of Uncertain Significance.

Ambry Genetics
Classification: Uncertain significance for Inborn genetic diseases. Last evaluated: 2021-08-06. Review status: criteria provided, single submitter. Criteria: Ambry Variant Classification Scheme 2023. Collection method: clinical testing. Allele origin: germline.

NM_031310.3(PLVAP):c.872G>A (p.Arg291Gln)

Gene: PLVAP (plasmalemma vesicle associated protein; minus strand). Cytogenetic location: 19p13.11.
Variant type: single nucleotide variant.
Coding change: c.872G>A on transcript NM_031310.3 (MANE Select); coding-DNA position 872, G replaced by A.
Protein change: p.Arg291Gln; replaces arginine 291 with glutamine.
Molecular consequence: missense variant.
Genome position (GRCh38, 1-based): chr19:17,365,593, C>T on the plus strand (G>A on the coding strand, the complement: PLVAP is on the minus strand). VCF-style: chr19-17365593-C-T. GRCh37 (hg19) VCF-style: chr19-17476402-C-T.
Other names: short protein forms R291Q.
Identifiers: ClinVar variation 1972422 (VCV001972422.4), dbSNP rs148762093, ClinGen allele CA9293946.